The following is an entry in ClinVar:

ClinVar aggregate classification (germline): Benign. Review status: criteria provided, single submitter (1 of 4 stars). 2 submissions from 2 submitters: Benign (1). 1 of the submissions does not count toward it. Last evaluated 2026-01-27.

Conditions:
FTH1-related disorder. Also called: FTH1-related condition.

Allele frequency attached by ClinVar (database versions not stated): ESP Exome Variant Server 0.00177; 1000 Genomes Project 30x 0.00031; gnomAD 0.00128; 1000 Genomes Project 0.00040; ExAC 0.00047; TOPMed 0.00155; gnomAD exomes 0.00012.
gnomAD v4.1: 388 of 1,599,110 alleles (0.024%); highest among the groups gnomAD compares: African/African-American, 0.47%; 2 homozygotes.

Submissions (2):

Labcorp Genetics (formerly Invitae), Labcorp
Classification: Benign. Last evaluated: 2026-01-27. Review status: criteria provided, single submitter. Criteria: Invitae Variant Classification Sherloc (09022015). Collection method: clinical testing. Allele origin: germline.

PreventionGenetics, part of Exact Sciences
Classification: Benign for FTH1-related condition. Last evaluated: 2019-10-28. Review status: no assertion criteria provided. Collection method: clinical testing. Allele origin: germline. Not counted in ClinVar's aggregate classification.
Comment: This variant is classified as benign based on ACMG/AMP sequence variant interpretation guidelines (Richards et al. 2015 PMID: 25741868, with internal and published modifications).

NM_002032.3(FTH1):c.525C>T (p.Thr175=)

Genes: BEST1 (bestrophin 1; plus strand), FTH1 (ferritin heavy chain 1; minus strand). Cytogenetic location: 11q12.3.
Variant type: single nucleotide variant.
Coding change: c.525C>T on transcript NM_002032.3 (MANE Select); coding-DNA position 525, C replaced by T.
Protein change: p.Thr175=; no amino-acid change (threonine 175 retained).
Molecular consequence: synonymous variant.
Genome position (GRCh38, 1-based): chr11:61,964,754, G>A on the plus strand (C>T on the coding strand, the complement: FTH1 is on the minus strand). VCF-style: chr11-61964754-G-A. GRCh37 (hg19) VCF-style: chr11-61732226-G-A.
Identifiers: ClinVar variation 2696330 (VCV002696330.5), dbSNP rs111249745, ClinGen allele CA6041200.